The following is an entry in ClinVar:

ClinVar aggregate classification (germline): Uncertain significance. Review status: criteria provided, multiple submitters, no conflicts (2 of 4 stars). 4 submissions from 4 submitters: Uncertain significance (4). Last evaluated 2024-10-25.

Conditions:
Familial cancer of breast. Also called: BREAST CANCER, FAMILIAL; Hereditary breast cancer; hereditary breast carcinoma. Identifiers: Orphanet 227535, MedGen C0346153, MONDO:0016419, OMIM 114480. Disease mechanism: loss of function.
Hereditary cancer-predisposing syndrome. Also called: Tumor predisposition; Hereditary Cancer Syndrome; Hereditary neoplastic syndrome; Neoplastic Syndromes, Hereditary. Identifiers: Orphanet 140162, MedGen C0027672, MeSH D009386, MONDO:0015356.

Submissions (4):

Ambry Genetics
Classification: Uncertain significance for Hereditary cancer-predisposing syndrome. Last evaluated: 2024-10-25. Review status: criteria provided, single submitter. Criteria: Ambry Variant Classification Scheme 2023. Collection method: clinical testing. Allele origin: germline.
Comment: The p.L421H variant (also known as c.1262T>A), located in coding exon 11 of the CHEK2 gene, results from a T to A substitution at nucleotide position 1262. The leucine at codon 421 is replaced by histidine, an amino acid with similar properties. This amino acid position is highly conserved in available vertebrate species. In addition, this alteration is predicted to be deleterious by in silico analysis. Based on the available evidence, the clinical significance of this variant remains unclear.

GeneDx
Classification: Uncertain significance. Last evaluated: 2024-08-27. Review status: criteria provided, single submitter. Criteria: GeneDx Variant Classification Process June 2021. Collection method: clinical testing. Allele origin: germline. Affected: yes.
Comment: Not observed at significant frequency in large population cohorts (gnomAD); In silico analysis supports that this missense variant has a deleterious effect on protein structure/function; Has not been previously published as pathogenic or benign to our knowledge; This variant is associated with the following publications: (PMID: 22419737, 19782031)

Labcorp Genetics (formerly Invitae), Labcorp
Classification: Uncertain significance for Familial cancer of breast. Last evaluated: 2023-05-27. Review status: criteria provided, single submitter. Criteria: Invitae Variant Classification Sherloc (09022015). Collection method: clinical testing. Allele origin: germline.
Comment: In summary, the available evidence is currently insufficient to determine the role of this variant in disease. Therefore, it has been classified as a Variant of Uncertain Significance. An algorithm developed to predict the effect of missense changes on protein structure and function (PolyPhen-2) suggests that this variant is likely to be disruptive. ClinVar contains an entry for this variant (Variation ID: 410054). This variant has not been reported in the literature in individuals affected with CHEK2-related conditions. This variant is not present in population databases (gnomAD no frequency). This sequence change replaces leucine, which is neutral and non-polar, with histidine, which is basic and polar, at codon 421 of the CHEK2 protein (p.Leu421His).

Color Diagnostics, LLC DBA Color Health
Classification: Uncertain significance for Hereditary cancer-predisposing syndrome. Last evaluated: 2022-03-01. Review status: criteria provided, single submitter. Criteria: ACMG Guidelines, 2015. Collection method: clinical testing. Allele origin: germline.
Comment: This missense variant replaces leucine with histidine at codon 421 of the CHEK2 protein. Computational prediction suggests that this variant may have deleterious impact on protein structure and function (internally defined REVEL score threshold >= 0.7, PMID: 27666373). To our knowledge, functional studies have not been reported for this variant. This variant has not been reported in individuals affected with hereditary cancer in the literature. This variant has not been identified in the general population by the Genome Aggregation Database (gnomAD). The available evidence is insufficient to determine the role of this variant in disease conclusively. Therefore, this variant is classified as a Variant of Uncertain Significance.

NM_007194.4(CHEK2):c.1262T>A (p.Leu421His)

Gene: CHEK2 (checkpoint kinase 2; minus strand). Cytogenetic location: 22q12.1.
Variant type: single nucleotide variant.
Coding change: c.1262T>A on transcript NM_007194.4 (MANE Select); coding-DNA position 1262, T replaced by A.
Protein change: p.Leu421His; replaces leucine 421 with histidine.
Molecular consequence: missense variant.
Genome position (GRCh38, 1-based): chr22:28,695,240, A>T on the plus strand (T>A on the coding strand, the complement: CHEK2 is on the minus strand). VCF-style: chr22-28695240-A-T. GRCh37 (hg19) VCF-style: chr22-29091228-A-T.
Other names: c.1391T>A, p.Leu464His (NM_001005735.3); c.599T>A, p.Leu200His (NM_001257387.3); c.1061T>A, p.Leu354His (NM_001349956.3); c.1175T>A, p.Leu392His (NM_145862.3); short protein forms L421H, L200H, L392H, L464H, L354H.
Identifiers: ClinVar variation 410054 (VCV000410054.23), dbSNP rs1060502714, ClinGen allele CA16616330.